The following is an entry in ClinVar:

NM_006180.6(NTRK2):c.534T>A (p.Asn178Lys)

Gene: NTRK2 (neurotrophic receptor tyrosine kinase 2; plus strand). Cytogenetic location: 9q21.33.
Variant type: single nucleotide variant.
Coding change: c.534T>A on transcript NM_006180.6 (MANE Select); coding-DNA position 534, T replaced by A.
Protein change: p.Asn178Lys; replaces asparagine 178 with lysine.
Molecular consequence: missense variant.
Genome position (GRCh38, 1-based): chr9:84,710,742, T>A. VCF-style: chr9-84710742-T-A. GRCh37 (hg19) VCF-style: chr9-87325657-T-A.
Other names: c.534T>A, p.Asn178Lys (NM_001007097.3, NM_001018064.3, NM_001018065.2 and 18 more transcripts); c.66T>A, p.Asn22Lys (NM_001369535.1, NM_001369536.1, NM_001369550.1 and 2 more transcripts); short protein forms N22K, N178K.
Identifiers: ClinVar variation 4996874 (VCV004996874.1).

ClinVar aggregate classification (germline): Uncertain significance (1 of 4 stars; one submission).

Conditions:
NTRK2-related disorder. Also called: NTRK2-related condition.

Submission:

PreventionGenetics, part of Exact Sciences
Classification: Uncertain significance for NTRK2-related condition. Last evaluated: 2025-02-17. Review status: criteria provided, single submitter. Criteria: ACMG Guidelines, 2015. Collection method: clinical testing. Allele origin: germline.
Comment: The NTRK2 c.534T>A variant is predicted to result in the amino acid substitution p.Asn178Lys. To our knowledge, this variant has not been reported in the literature or in a large population database (gnomAD), indicating this variant is rare. At this time, the clinical significance of this variant is uncertain due to the absence of conclusive functional and genetic evidence.